The following is an entry in ClinVar:

NM_170707.4(LMNA):c.791AGA[1] (p.Lys265del)

Gene: LMNA (lamin A/C; plus strand). Cytogenetic location: 1q22.
Variant type: Microsatellite.
Coding change: c.791AGA[1] on transcript NM_170707.4 (MANE Select); one copy of the 3-base unit AGA starting at c.791; the reference has two copies in a row; one copy, 3 bases deleted.
Protein change: p.Lys265del; deletes lysine 265.
Molecular consequence: inframe deletion.
Genome position (GRCh38, 1-based): chr1:156,134,959-156,134,961, AGA deleted; deleting any 3 consecutive bases within chr1:156,134,956-156,134,961 gives the same sequence; the position shown is the placement nearest the transcript's 3' end. VCF-style (leftmost placement, unchanged base first): chr1-156134955-GAGA-G. GRCh37 (hg19) VCF-style: chr1-156104746-GAGA-G.
Other names: c.455AGA[1], p.Lys153del (NM_001257374.3); c.548AGA[1], p.Lys184del (NM_001282624.2); c.791AGA[1], p.Lys265del (NM_001282625.2, NM_001282626.2, NM_005572.4 and 1 more transcripts); short protein forms K265del, K153del, K184del.
Identifiers: ClinVar variation 543192 (VCV000543192.8), dbSNP rs1553265371, ClinGen allele CA658795530.

ClinVar aggregate classification (germline): Uncertain significance (1 of 4 stars; one submission).

Conditions:
Charcot-Marie-Tooth disease type 2. Also called: Charcot-Marie-Tooth type 2. Identifiers: Orphanet 64746, MedGen C0270914, MONDO:0018993.

Submission:

Labcorp Genetics (formerly Invitae), Labcorp
Classification: Uncertain significance for Charcot-Marie-Tooth disease type 2. Last evaluated: 2022-03-18. Review status: criteria provided, single submitter. Criteria: Invitae Variant Classification Sherloc (09022015). Collection method: clinical testing. Allele origin: germline.
Comment: This variant is not present in population databases (gnomAD no frequency). This variant has not been reported in the literature in individuals affected with LMNA-related conditions. ClinVar contains an entry for this variant (Variation ID: 543192). Experimental studies and prediction algorithms are not available or were not evaluated, and the functional significance of this variant is currently unknown. In summary, the available evidence is currently insufficient to determine the role of this variant in disease. Therefore, it has been classified as a Variant of Uncertain Significance. This variant, c.794_796del, results in the deletion of 1 amino acid(s) of the LMNA protein (p.Lys265del), but otherwise preserves the integrity of the reading frame.